The following is an entry in ClinVar:

ClinVar aggregate classification (germline): Conflicting classifications of pathogenicity. Review status: criteria provided, conflicting classifications (1 of 4 stars). 4 submissions from 4 submitters: Pathogenic (1); Likely pathogenic (2); Uncertain significance (1). Last evaluated 2025-08-21.

Conditions:
Congenital disorder of deglycosylation 1. Also called: NGLY1-Related Congenital Disorder of Deglycosylation; NGLY1-deficiency. Identifiers: Orphanet 404454, MedGen CN306977, MONDO:0800044, OMIM 615273.
Congenital disorder of deglycosylation (CDDG). Identifiers: MedGen C3808991, MONDO:0031376.
Intellectual disability. Also called: Intellectual developmental disorder; Intellectual functioning disability; intellectual disabilities. Identifiers: MedGen C3714756, MeSH D008607, MONDO:0001071, HP:0001249.

Allele frequency attached by ClinVar (database versions not stated): ExAC 0.00001; TOPMed 0.00002; gnomAD exomes 0.00002; gnomAD 0.00003 and 0.00002.

Submissions (4):

Labcorp Genetics (formerly Invitae), Labcorp
Classification: Uncertain significance for Congenital disorder of deglycosylation. Last evaluated: 2025-08-21. Review status: criteria provided, single submitter. Criteria: Invitae Variant Classification Sherloc (09022015). Collection method: clinical testing. Allele origin: germline.
Comment: This variant, c.978_980del, is a complex sequence change that results in the deletion of 2 amino acids and insertion of 1 amino acid(s) in the NGLY1 protein (p.Glu326_Ala327delinsAsp). This variant is present in population databases (rs761634625, gnomAD 0.006%). This variant has not been reported in the literature in individuals affected with NGLY1-related conditions. ClinVar contains an entry for this variant (Variation ID: 424175). Experimental studies and prediction algorithms are not available or were not evaluated, and the functional significance of this variant is currently unknown. In summary, the available evidence is currently insufficient to determine the role of this variant in disease. Therefore, it has been classified as a Variant of Uncertain Significance.

Victorian Clinical Genetics Services, Murdoch Childrens Research Institute
Classification: Likely pathogenic for Congenital disorder of deglycosylation 1. Last evaluated: 2022-02-02. Review status: criteria provided, single submitter. Criteria: ACMG Guidelines, 2015. Collection method: clinical testing. Allele origin: germline. Inheritance: Autosomal recessive inheritance. Affected: yes.
Comment: Based on the classification scheme VCGS_Germline_v1.3.3, this variant is classified as Likely Pathogenic. Following criteria are met: 0102 - Loss of function is a known mechanism of disease in this gene and is associated with congenital disorder of deglycosylation (MIM#615273). (I) 0106 - This gene is associated with autosomal recessive disease. (I) 0213 - In-frame insertion/deletion in a non-repetitive region that has high conservation. (SP) 0251 - This variant is heterozygous. (I) 0304 - Variant is present in gnomAD (v2) <0.01 for a recessive condition (7 heterozygote(s), 0 homozygotes). (SP) 0600 - Variant is located in the annotated Transglutaminase-like superfamily domain (Pfam). (I) 0705 - No comparable in-frame insertion/deletion variants have previous evidence for pathogenicity. (I) 0803 - This variant has limited previous evidence of pathogenicity in an unrelated individuals. This variant has been reported once as likely pathogenic in the ClinVar database. (SP) 0905 - No published segregation evidence has been identified for this variant. (I) 1006 - Clinical laboratory assay shows abnormal function not specific to the gene. (SP) 1007 - No published functional evidence has been identified for this variant. (I) 1102 - Strong phenotype match for this individual. (I)

GeneDx
Classification: Likely pathogenic. Last evaluated: 2022-01-03. Review status: criteria provided, single submitter. Criteria: GeneDx Variant Classification Process June 2021. Collection method: clinical testing. Allele origin: germline. Affected: yes.
Comment: Not observed at a significant frequency in large population cohorts (Lek et al., 2016); In-frame deletion of two amino acids and insertion of one amino acid in a non-repeat region; In silico analysis supports a deleterious effect on protein structure/function; Has not been previously published as pathogenic or benign to our knowledge

Cambridge Genomics Laboratory, East Genomic Laboratory Hub, NHS Genomic Medicine Service
Classification: Pathogenic for Intellectual disability. Last evaluated: 2020-04-16. Review status: criteria provided, single submitter. Criteria: ACGS Best Practice Guidelines for Variant Classification in Rare Disease 2020. Collection method: clinical testing. Allele origin: germline. Affected: yes. Observed: 1 variant allele.

Literature cited by the submitters: PubMed 29550355 (cited by Victorian Clinical Genetics Services, Murdoch Childrens Research Institute).

NM_018297.4(NGLY1):c.978_980del (p.Glu326_Ala327delinsAsp)

Gene: NGLY1 (N-glycanase 1; minus strand). Cytogenetic location: 3p24.2.
Variant type: Deletion.
Coding change: c.978_980del on transcript NM_018297.4 (MANE Select); coding-DNA positions 978 to 980, 3 bases deleted (AGC; older notation c.978_980delAGC).
Protein change: p.Glu326_Ala327delinsAsp.
Molecular consequence: inframe indel.
Genome position (GRCh38, 1-based): chr3:25,737,357-25,737,359, GCT deleted on the plus strand (AGC on the coding strand, the reverse complement: NGLY1 is on the minus strand). VCF-style (leftmost placement, unchanged base first): chr3-25737356-AGCT-A. GRCh37 (hg19) VCF-style: chr3-25778847-AGCT-A.
Other names: c.978_980del, p.Glu326_Ala327delinsAsp (NM_001145293.2, NM_001145295.2); c.852_854del, p.Glu284_Ala285delinsAsp (NM_001145294.2); c.978_980delAGC (NM_018297.3).
Identifiers: ClinVar variation 424175 (VCV000424175.9), dbSNP rs761634625, ClinGen allele CA2289327.